The following is an entry in ClinVar:

ClinVar aggregate classification (germline): Pathogenic. Review status: criteria provided, multiple submitters, no conflicts (2 of 4 stars). 4 submissions from 4 submitters: Pathogenic (3). 1 of the submissions does not count toward it. Last evaluated 2025-09-17.

Conditions:
Familial pulmonary capillary hemangiomatosis (PVOD2). Also called: Pulmonary venoocclusive disease 2, autosomal recessive; Pulmonary venoocclusive disease 2. Identifiers: Orphanet 199241, MedGen C0340848, MONDO:0009329, OMIM 234810.

Submissions (4):

First Genomix Gene Laboratory, Genetic Diagnostics Department
Classification: Pathogenic for Familial pulmonary capillary hemangiomatosis. Last evaluated: 2025-09-17. Review status: criteria provided, single submitter. Criteria: ACMG Guidelines, 2015. Collection method: clinical testing. Allele origin: germline. Inheritance: Autosomal recessive inheritance. Affected: no. Observed: 1 variant allele.

GeneDx
Classification: Pathogenic. Last evaluated: 2023-02-22. Review status: criteria provided, single submitter. Criteria: GeneDx Variant Classification Process June 2021. Collection method: clinical testing. Allele origin: germline. Affected: yes.
Comment: Frameshift variant predicted to result in protein truncation or nonsense mediated decay in a gene for which loss of function is a known mechanism of disease; Not observed at significant frequency in large population cohorts (gnomAD); This variant is associated with the following publications: (PMID: 24292273, 30577886, 31711431)

Labcorp Genetics (formerly Invitae), Labcorp
Classification: Pathogenic. Last evaluated: 2021-08-28. Review status: criteria provided, single submitter. Criteria: Invitae Variant Classification Sherloc (09022015). Collection method: clinical testing. Allele origin: germline.
Comment: This sequence change creates a premature translational stop signal (p.Lys187Argfs*9) in the EIF2AK4 gene. It is expected to result in an absent or disrupted protein product. Loss-of-function variants in EIF2AK4 are known to be pathogenic (PMID: 12215525, 24135949, 24292273, 24310610, 28972005, 29743074). This variant is present in population databases (rs772487425, ExAC 0.002%). This premature translational stop signal has been observed in individuals with EIF2AK4-related conditions (PMID: 24292273, 31711431). ClinVar contains an entry for this variant (Variation ID: 280131). For these reasons, this variant has been classified as Pathogenic.

Rare Disease Genomics Group, St George's University of London
Classification: Pathogenic for Familial pulmonary capillary hemangiomatosis. Review status: no assertion criteria provided. Collection method: literature only. Allele origin: germline. Affected: yes. Not counted in ClinVar's aggregate classification.

Literature cited by the submitters: PubMed 12215525 (cited by Labcorp Genetics (formerly Invitae), Labcorp); PubMed 24135949 (cited by Labcorp Genetics (formerly Invitae), Labcorp); PubMed 24292273 (cited by Labcorp Genetics (formerly Invitae), Labcorp and Rare Disease Genomics Group, St George's University of London); PubMed 24310610 (cited by Labcorp Genetics (formerly Invitae), Labcorp); PubMed 28972005 (cited by Labcorp Genetics (formerly Invitae), Labcorp); PubMed 29743074 (cited by Labcorp Genetics (formerly Invitae), Labcorp); PubMed 31711431 (cited by Labcorp Genetics (formerly Invitae), Labcorp).

NM_001013703.4(EIF2AK4):c.560_564del (p.Lys187fs)

Gene: EIF2AK4 (eukaryotic translation initiation factor 2 alpha kinase 4; plus strand). Cytogenetic location: 15q15.1.
Variant type: Deletion.
Coding change: c.560_564del on transcript NM_001013703.4 (MANE Select); coding-DNA positions 560 to 564, 5 bases deleted (AAGAA; older notation c.560_564delAAGAA).
Protein change: p.Lys187fs; shifts the reading frame from lysine 187.
Molecular consequence: frameshift variant.
Genome position (GRCh38, 1-based): chr15:39,953,950-39,953,954, AAGAA deleted; deleting any 5 consecutive bases within chr15:39,953,948-39,953,954 gives the same sequence; the c. name uses the placement nearest the transcript's 3' end. VCF-style (leftmost placement, unchanged base first): chr15-39953947-TAAAAG-T. GRCh37 (hg19) VCF-style: chr15-40246148-TAAAAG-T.
Other names: c.560_564delAAGAA (NM_001013703.4, NM_001013703.3); short protein forms K187fs.
Identifiers: ClinVar variation 280131 (VCV000280131.9), dbSNP rs772487425, ClinGen allele CA7473542.